The following is an entry in ClinVar:

ClinVar aggregate classification (germline): Likely benign. Review status: criteria provided, multiple submitters, no conflicts (2 of 4 stars). 2 submissions from 2 submitters: Likely benign (2). Last evaluated 2026-09-01.

Allele frequency attached by ClinVar (database versions not stated): 1000 Genomes Project 30x 0.00031; gnomAD 0.00031 and 0.00032; TOPMed 0.00034; ESP Exome Variant Server 0.00038; 1000 Genomes Project 0.00040; gnomAD exomes 0.00044 and 0.00049; ExAC 0.00047.
gnomAD v4.1: 754 of 1,613,936 alleles (0.047%); highest among the groups gnomAD compares: Middle Eastern, 0.21%; no homozygotes.

Submissions (2):

CeGaT Center for Human Genetics Tuebingen
Classification: Likely benign. Last evaluated: 2026-09-01. Review status: criteria provided, single submitter. Criteria: CeGaT Center For Human Genetics Tuebingen Variant Classification Criteria Version 2. Collection method: clinical testing. Allele origin: germline. Affected: yes. Observed: 1 variant allele.
Comment: RPS6KC1: BP4, BP7

Labcorp Genetics (formerly Invitae), Labcorp
Classification: Likely benign. Last evaluated: 2026-01-19. Review status: criteria provided, single submitter. Criteria: Invitae Variant Classification Sherloc (09022015). Collection method: clinical testing. Allele origin: germline.

NM_012424.6(RPS6KC1):c.1689A>G (p.Thr563=)

Gene: RPS6KC1 (ribosomal protein S6 kinase C1; plus strand). Cytogenetic location: 1q32.3.
Variant type: single nucleotide variant.
Coding change: c.1689A>G on transcript NM_012424.6 (MANE Select); coding-DNA position 1689, A replaced by G.
Protein change: p.Thr563=; no amino-acid change (threonine 563 retained).
Molecular consequence: synonymous variant. On other transcripts: non-coding transcript variant (4).
Genome position (GRCh38, 1-based): chr1:213,241,165, A>G. VCF-style: chr1-213241165-A-G. GRCh37 (hg19) VCF-style: chr1-213414508-A-G.
Other names: c.1653A>G, p.Thr551= (NM_001136138.4); c.1053A>G, p.Thr351= (NM_001287218.3, NM_001287219.3, NM_001349654.2); c.294A>G, p.Thr98= (NM_001287220.3, NM_001349663.2, NM_001349664.2 and 8 more transcripts); c.1146A>G, p.Thr382= (NM_001287221.3, NM_001349648.2, NM_001349649.2 and 4 more transcripts); c.1596A>G, p.Thr532= (NM_001349646.2); c.1326A>G, p.Thr442= (NM_001349647.2); c.798A>G, p.Thr266= (NM_001349657.2, NM_001349658.2); c.633A>G, p.Thr211= (NM_001349659.2, NM_001349660.2, NM_001349661.2 and 1 more transcripts).
Identifiers: ClinVar variation 1591029 (VCV001591029.9), dbSNP rs140672126, ClinGen allele CA1387500.